The following is an entry in ClinVar:

ClinVar aggregate classification (germline): Pathogenic (1 of 4 stars; one submission).

Conditions:
Nephronophthisis. Also called: Juvenile Nephronophthisis. Identifiers: Orphanet 655, MedGen C0687120, MONDO:0019005, HP:0000090.

Submission:

Labcorp Genetics (formerly Invitae), Labcorp
Classification: Pathogenic for Nephronophthisis. Last evaluated: 2025-05-01. Review status: criteria provided, single submitter. Criteria: Invitae Variant Classification Sherloc (09022015). Collection method: clinical testing. Allele origin: germline.
Comment: This sequence change creates a premature translational stop signal (p.Gln681*) in the INVS gene. It is expected to result in an absent or disrupted protein product. Loss-of-function variants in INVS are known to be pathogenic (PMID: 12872123). This variant is not present in population databases (gnomAD no frequency). This variant has not been reported in the literature in individuals affected with INVS-related conditions. For these reasons, this variant has been classified as Pathogenic.

Literature cited by the submitters: PubMed 12872123.

NM_014425.5(INVS):c.2041C>T (p.Gln681Ter)

Gene: INVS (inversin; plus strand). Cytogenetic location: 9q31.1.
Variant type: single nucleotide variant.
Coding change: c.2041C>T on transcript NM_014425.5 (MANE Select); coding-DNA position 2041, C replaced by T.
Protein change: p.Gln681Ter; replaces glutamine 681 with a stop codon.
Molecular consequence: nonsense. On other transcripts: non-coding transcript variant (1).
Genome position (GRCh38, 1-based): chr9:100,284,576, C>T. VCF-style: chr9-100284576-C-T. GRCh37 (hg19) VCF-style: chr9-103046858-C-T.
Other names: c.1753C>T, p.Gln585Ter (NM_001318381.2); c.1063C>T, p.Gln355Ter (NM_001318382.2); short protein forms Q681*, Q585*, Q355*.
Identifiers: ClinVar variation 4698464 (VCV004698464.1).